The following is an entry in ClinVar:

ClinVar aggregate classification (germline): Uncertain significance (1 of 4 stars; one submission).

Allele frequency attached by ClinVar (database versions not stated): gnomAD exomes 0.00004; TOPMed below 0.00001; ExAC 0.00001.
gnomAD v4.1: 53 of 1,613,688 alleles (0.0033%); highest among the groups gnomAD compares: Non-Finnish European, 0.0044%; no homozygotes.

Submission:

Labcorp Genetics (formerly Invitae), Labcorp
Classification: Uncertain significance. Last evaluated: 2025-05-07. Review status: criteria provided, single submitter. Criteria: Invitae Variant Classification Sherloc (09022015). Collection method: clinical testing. Allele origin: germline.
Comment: This sequence change replaces tyrosine, which is neutral and polar, with cysteine, which is neutral and slightly polar, at codon 247 of the TFRC protein (p.Tyr247Cys). This variant is present in population databases (rs767819270, gnomAD 0.002%). This variant has not been reported in the literature in individuals affected with TFRC-related conditions. ClinVar contains an entry for this variant (Variation ID: 3021670). Invitae Evidence Modeling of protein sequence and biophysical properties (such as structural, functional, and spatial information, amino acid conservation, physicochemical variation, residue mobility, and thermodynamic stability) indicates that this missense variant is expected to disrupt TFRC protein function with a positive predictive value of 80%. In summary, the available evidence is currently insufficient to determine the role of this variant in disease. Therefore, it has been classified as a Variant of Uncertain Significance.

NM_001128148.3(TFRC):c.740A>G (p.Tyr247Cys)

Gene: TFRC (transferrin receptor; minus strand). Cytogenetic location: 3q29.
Variant type: single nucleotide variant.
Coding change: c.740A>G on transcript NM_001128148.3 (MANE Select); coding-DNA position 740, A replaced by G.
Protein change: p.Tyr247Cys; replaces tyrosine 247 with cysteine.
Molecular consequence: missense variant. On other transcripts: 5 prime UTR variant (1).
Genome position (GRCh38, 1-based): chr3:196,069,516, T>C on the plus strand (A>G on the coding strand, the complement: TFRC is on the minus strand). VCF-style: chr3-196069516-T-C. GRCh37 (hg19) VCF-style: chr3-195796387-T-C.
Other names: c.497A>G, p.Tyr166Cys (NM_001313965.2); c.-107A>G (NM_001313966.2); c.740A>G, p.Tyr247Cys (NM_003234.4); short protein forms Y166C, Y247C.
Identifiers: ClinVar variation 3021670 (VCV003021670.3), dbSNP rs767819270, ClinGen allele CA2778201.